The following is an entry in ClinVar:

NM_006258.4(PRKG1):c.444_449dup (p.Glu148_Gly149dup)

Gene: PRKG1 (protein kinase cGMP-dependent 1; plus strand). Cytogenetic location: 10q21.1.
Variant type: Duplication.
Coding change: c.444_449dup on transcript NM_006258.4 (MANE Select); coding-DNA positions 444 to 449, 6 bases duplicated (AGGAGA; older notation c.444_449dupAGGAGA).
Protein change: p.Glu148_Gly149dup.
Molecular consequence: inframe insertion.
Genome position (GRCh38, 1-based): chr10:51,153,296-51,153,301, AGGAGA duplicated; duplicating any 6 consecutive bases within chr10:51,153,293-51,153,301 gives the same sequence; the c. name uses the placement nearest the transcript's 3' end. VCF-style (leftmost placement, unchanged base first): chr10-51153292-A-AAGAAGG. GRCh37 (hg19) VCF-style: chr10-52913052-A-AAGAAGG.
Other names: c.444_449dup, p.Glu148_Gly149dup (LRG_1135t1); c.399_404dup, p.Glu133_Gly134dup (LRG_1135t2, NM_001098512.3).
Identifiers: ClinVar variation 644970 (VCV000644970.8), dbSNP rs1589198305, ClinGen allele CA915945912.
Genomic context (GRCh38, chr10:51,153,292, plus strand): 5'-TCCAGGAGATTGTGGATTGTATGTACCCGGTGGAGTATGGCAAGGACAGTTGCATCATCA[A>AAGAAGG]AGAAGGAGACGTGGGGTCACTGGTGTATGTCATGGAAGGTACGGTTTGTAACTCCAATCC-3'

ClinVar aggregate classification (germline): Uncertain significance (1 of 4 stars; one submission).

Conditions:
Aortic aneurysm, familial thoracic 8 (AAT8). Identifiers: MedGen C3809513, MONDO:0014187, OMIM 615436.

Submission:

Labcorp Genetics (formerly Invitae), Labcorp
Classification: Uncertain significance for Aortic aneurysm, familial thoracic 8. Last evaluated: 2018-09-20. Review status: criteria provided, single submitter. Criteria: Invitae Variant Classification Sherloc (09022015). Collection method: clinical testing. Allele origin: germline.
Comment: Experimental studies and prediction algorithms are not available for this variant, and the functional significance of the affected amino acid(s) is currently unknown. In summary, the available evidence is currently insufficient to determine the role of this variant in disease. Therefore, it has been classified as a Variant of Uncertain Significance. This variant has not been reported in the literature in individuals with PRKG1-related disease. This variant is not present in population databases (ExAC no frequency). This variant, c.444_449dupAGGAGA, results in the insertion of 2 amino acid(s) to the PRKG1 protein (p.Glu148_Gly149dup), but otherwise preserves the integrity of the reading frame.